The following is an entry in ClinVar:

ClinVar aggregate classification (germline): Conflicting classifications of pathogenicity. Review status: criteria provided, conflicting classifications (1 of 4 stars). 2 submissions from 2 submitters: Uncertain significance (1); Likely benign (1). Last evaluated 2024-10-29.

Allele frequency attached by ClinVar (database versions not stated): gnomAD 0.00003; gnomAD exomes 0.00003; TOPMed 0.00004; ExAC 0.00005.
gnomAD v4.1: 46 of 1,613,806 alleles (0.0029%); highest among the groups gnomAD compares: South Asian, 0.026%; no homozygotes.

Submissions (2):

Blueprint Genetics
Classification: Likely benign. Last evaluated: 2024-10-29. Review status: criteria provided, single submitter. Criteria: ACMG Guidelines, 2015. Collection method: clinical testing. Allele origin: germline.

Labcorp Genetics (formerly Invitae), Labcorp
Classification: Uncertain significance. Last evaluated: 2024-04-18. Review status: criteria provided, single submitter. Criteria: Invitae Variant Classification Sherloc (09022015). Collection method: clinical testing. Allele origin: germline.
Comment: This sequence change replaces alanine, which is neutral and non-polar, with threonine, which is neutral and polar, at codon 28 of the SGMS2 protein (p.Ala28Thr). This variant is present in population databases (rs756549531, gnomAD 0.02%). This variant has not been reported in the literature in individuals affected with SGMS2-related conditions. Algorithms developed to predict the effect of missense changes on protein structure and function output the following: SIFT: "Not Available"; PolyPhen-2: "Benign"; Align-GVGD: "Not Available". The threonine amino acid residue is found in multiple mammalian species, which suggests that this missense change does not adversely affect protein function. In summary, the available evidence is currently insufficient to determine the role of this variant in disease. Therefore, it has been classified as a Variant of Uncertain Significance.

NM_001375905.1(SGMS2):c.82G>A (p.Ala28Thr)

Genes: CYP2U1-AS1 (CYP2U1 and SGMS2 antisense RNA 1; minus strand), SGMS2 (sphingomyelin synthase 2; plus strand). Cytogenetic location: 4q25.
Variant type: single nucleotide variant.
Coding change: c.82G>A on transcript NM_001375905.1 (MANE Select); coding-DNA position 82, G replaced by A.
Protein change: p.Ala28Thr; replaces alanine 28 with threonine.
Molecular consequence: missense variant. On other transcripts: intron variant (1).
Genome position (GRCh38, 1-based): chr4:107,895,635, G>A. VCF-style: chr4-107895635-G-A. GRCh37 (hg19) VCF-style: chr4-108816791-G-A.
Other names: c.82G>A, p.Ala28Thr (NM_001136257.2, NM_001136258.2, NM_001375906.1 and 4 more transcripts); c.-64-3940G>A (NM_001375911.1); short protein forms A28T.
Identifiers: ClinVar variation 2870372 (VCV002870372.4), dbSNP rs756549531, ClinGen allele CA3036717.